The following is an entry in ClinVar:

NM_000135.4(FANCA):c.2285T>A (p.Leu762His)

Gene: FANCA (FA complementation group A; minus strand). Cytogenetic location: 16q24.3.
Variant type: single nucleotide variant.
Coding change: c.2285T>A on transcript NM_000135.4 (MANE Select); coding-DNA position 2285, T replaced by A.
Protein change: p.Leu762His; replaces leucine 762 with histidine.
Molecular consequence: missense variant.
Genome position (GRCh38, 1-based): chr16:89,770,197, A>T on the plus strand (T>A on the coding strand, the complement: FANCA is on the minus strand). VCF-style: chr16-89770197-A-T. GRCh37 (hg19) VCF-style: chr16-89836605-A-T.
Other names: c.2285T>A, p.Leu762His (NM_001286167.3); short protein forms L762H.
Identifiers: ClinVar variation 4619294 (VCV004619294.1).
Genomic context (GRCh38, chr16:89,770,197, plus strand): 5'-AGGGTGGCCCCCATGAAGGAGAGCCTCACCTGGTGACGGAGCAGCTGGCAGAGCCGGGTG[A>T]GCACTGCAGGGAGCACACGTCCACACATGGTCCTCACGAAGAGGGCAGCCCAGGGACCCT-3'
Protein context (NP_000126.2, residues 752-772): TMCGRVLPAV[Leu762His]TRLCQLLRHQ

ClinVar aggregate classification (germline): Uncertain significance (1 of 4 stars; one submission).

Conditions:
Inborn genetic diseases. Identifiers: MedGen C0950123, MeSH D030342.

Submission:

Ambry Genetics
Classification: Uncertain significance for Inborn genetic diseases. Last evaluated: 2025-11-27. Review status: criteria provided, single submitter. Criteria: Ambry Variant Classification Scheme 2023. Collection method: clinical testing. Allele origin: germline.
Comment: The p.L762H variant (also known as c.2285T>A), located in coding exon 25 of the FANCA gene, results from a T to A substitution at nucleotide position 2285. The leucine at codon 762 is replaced by histidine, an amino acid with similar properties. This amino acid position is conserved. In addition, this alteration is predicted to be deleterious by in silico analysis. Based on the available evidence, the clinical significance of this variant remains unclear.